The following is an entry in ClinVar:

NM_004415.4(DSP):c.4419C>T (p.Ala1473=)

Gene: DSP (desmoplakin; plus strand). Cytogenetic location: 6p24.3.
Variant type: single nucleotide variant.
Coding change: c.4419C>T on transcript NM_004415.4 (MANE Select); coding-DNA position 4419, C replaced by T.
Protein change: p.Ala1473=; no amino-acid change (alanine 1473 retained).
Molecular consequence: synonymous variant. On other transcripts: intron variant (2).
Genome position (GRCh38, 1-based): chr6:7,580,609, C>T. VCF-style: chr6-7580609-C-T. GRCh37 (hg19) VCF-style: chr6-7580842-C-T.
Other names: c.4050+369C>T (NM_001319034.2); c.3582+837C>T (NM_001008844.3).
Identifiers: ClinVar variation 178922 (VCV000178922.13), dbSNP rs727504542, ClinGen allele CA004470.

ClinVar aggregate classification (germline): Likely benign. Review status: criteria provided, multiple submitters, no conflicts (2 of 4 stars). 5 submissions from 5 submitters: Likely benign (5). Last evaluated 2025-06-16.

Conditions:
Cardiovascular phenotype. Identifiers: MedGen CN230736.
Cardiomyopathy (CMYO). Also called: Cardiomyopathies. Identifiers: Orphanet 167848, MedGen C0878544, MONDO:0004994, HP:0001638. Inheritance: Various modes of inheritance.
Arrhythmogenic right ventricular dysplasia 8 (ARVD8). Also called: Arrhythmogenic Right Ventricular Dysplasia/Cardiomyopathy 8; ARRHYTHMOGENIC RIGHT VENTRICULAR DYSPLASIA, FAMILIAL, 8; ARRHYTHMOGENIC RIGHT VENTRICULAR CARDIOMYOPATHY 8. Identifiers: MedGen C1843896, MONDO:0011831, OMIM 607450.
Arrhythmogenic cardiomyopathy with wooly hair and keratoderma. Also called: Dilated cardiomyopathy with woolly hair and keratoderma; Arrhythmogenic cardiomyopathy with woolly hair and keratoderma; PALMOPLANTAR KERATODERMA WITH LEFT VENTRICULAR CARDIOMYOPATHY AND WOOLLY HAIR; Carvajal syndrome. Identifiers: Orphanet 65282, MedGen C1854063, MONDO:0011581, OMIM 605676.

Allele frequency attached by ClinVar (database versions not stated): TOPMed below 0.00001; gnomAD 0.00001; gnomAD exomes 0.00002 and 0.00006; ExAC 0.00006.
gnomAD v4.1: 35 of 1,613,856 alleles (0.0022%); highest among the groups gnomAD compares: South Asian, 0.025%; no homozygotes.

Submissions (5):

Labcorp Genetics (formerly Invitae), Labcorp
Classification: Likely benign for Arrhythmogenic cardiomyopathy with wooly hair and keratoderma; Arrhythmogenic right ventricular dysplasia 8. Last evaluated: 2025-06-16. Review status: criteria provided, single submitter. Criteria: Invitae Variant Classification Sherloc (09022015). Collection method: clinical testing. Allele origin: germline.

All of Us Research Program, National Institutes of Health
Classification: Likely benign for Arrhythmogenic cardiomyopathy with wooly hair and keratoderma. Last evaluated: 2024-02-05. Review status: criteria provided, single submitter. Criteria: ACMG Guidelines, 2015. Collection method: clinical testing. Allele origin: germline. Inheritance: Autosomal dominant inheritance. Observed: 3 variant alleles, 3 heterozygotes.
Comment: This study involves interpretation of variants in research participants for the purpose of population health screening. Participant phenotype was not available at the time of variant classification. Additional details can be found in publication PMID: 35346344, PMCID: PMC8962531

Ambry Genetics
Classification: Likely benign for Cardiovascular phenotype. Last evaluated: 2022-11-27. Review status: criteria provided, single submitter. Criteria: Ambry Variant Classification Scheme 2023. Collection method: clinical testing. Allele origin: germline.

Color Diagnostics, LLC DBA Color Health
Classification: Likely benign for Cardiomyopathy. Last evaluated: 2018-11-25. Review status: criteria provided, single submitter. Criteria: ACMG Guidelines, 2015. Collection method: clinical testing. Allele origin: germline.

Laboratory for Molecular Medicine, Mass General Brigham Personalized Medicine
Classification: Likely benign. Last evaluated: 2013-04-04. Review status: criteria provided, single submitter. Criteria: LMM Criteria. Collection method: clinical testing. Allele origin: germline. Observed: 1 variant allele.
Comment: Ala1473Ala in exon 23 of DSP: This variant is not expected to have clinical sign ificance because it does not alter an amino acid residue and is not located with in the splice consensus sequence. Ala1473Ala in exon 23 of DSP (allele frequenc y = n/a)